The following is an entry in ClinVar:

NM_000168.6(GLI3):c.742C>T (p.Arg248Cys)

Gene: GLI3 (GLI family zinc finger 3; minus strand). Cytogenetic location: 7p14.1.
Variant type: single nucleotide variant.
Coding change: c.742C>T on transcript NM_000168.6 (MANE Select); coding-DNA position 742, C replaced by T.
Protein change: p.Arg248Cys; replaces arginine 248 with cysteine.
Molecular consequence: missense variant.
Genome position (GRCh38, 1-based): chr7:42,045,468, G>A on the plus strand (C>T on the coding strand, the complement: GLI3 is on the minus strand). VCF-style: chr7-42045468-G-A. GRCh37 (hg19) VCF-style: chr7-42085067-G-A.
Other names: short protein forms R248C.
Identifiers: ClinVar variation 2429689 (VCV002429689.1), dbSNP rs1025335707, ClinGen allele CA156912633.

ClinVar aggregate classification (germline): Uncertain significance (1 of 4 stars; one submission).

Allele frequency attached by ClinVar (database versions not stated): gnomAD exomes below 0.00001; gnomAD 0.00002; TOPMed 0.00003.
gnomAD v4.1: 5 of 1,613,700 alleles (0.00031%); highest among the groups gnomAD compares: African/African-American, 0.004%; no homozygotes.

Submission:

GeneDx
Classification: Uncertain significance. Last evaluated: 2022-08-12. Review status: criteria provided, single submitter. Criteria: GeneDx Variant Classification Process June 2021. Collection method: clinical testing. Allele origin: germline. Affected: yes.
Comment: In silico analysis supports that this missense variant has a deleterious effect on protein structure/function; Has not been previously published as pathogenic or benign to our knowledge